The following is an entry in ClinVar:

ClinVar aggregate classification (germline): Pathogenic (1 of 4 stars; one submission).

Conditions:
Cerebral cavernous malformation (CCM). Also called: Cerebral cavernous malformations; CAVERNOUS ANGIOMA, FAMILIAL; CAVERNOUS ANGIOMATOUS MALFORMATIONS; Cavernous Hemangioma of Brain; CEREBRAL CAPILLARY MALFORMATIONS; Cerebral cavernous hemangioma (type). Identifiers: Orphanet 221061, MedGen C2919945, MONDO:0000820, OMIM 116860, HP:0033522.

Submission:

Labcorp Genetics (formerly Invitae), Labcorp
Classification: Pathogenic for Cerebral cavernous malformation. Last evaluated: 2024-04-09. Review status: criteria provided, single submitter. Criteria: Invitae Variant Classification Sherloc (09022015). Collection method: clinical testing. Allele origin: germline.
Comment: This sequence change creates a premature translational stop signal (p.Gln239Hisfs*6) in the KRIT1 gene. It is expected to result in an absent or disrupted protein product. Loss-of-function variants in KRIT1 are known to be pathogenic (PMID: 10508515, 11222804, 12404106, 24689081). This variant is not present in population databases (gnomAD no frequency). This variant has not been reported in the literature in individuals affected with KRIT1-related conditions. For these reasons, this variant has been classified as Pathogenic.

Literature cited by the submitters: PubMed 10508515; PubMed 11222804; PubMed 12404106; PubMed 24689081.

NM_194454.3(KRIT1):c.717del (p.Gln239fs)

Gene: KRIT1 (KRIT1 ankyrin repeat containing; minus strand). Cytogenetic location: 7q21.2.
Variant type: Deletion.
Coding change: c.717del on transcript NM_194454.3 (MANE Select); coding-DNA position 717, one base deleted (G; older notation c.717delG).
Protein change: p.Gln239fs; shifts the reading frame from glutamine 239.
Molecular consequence: frameshift variant. On other transcripts: intron variant (1).
Genome position (GRCh38, 1-based): chr7:92,235,415, C deleted on the plus strand (G on the coding strand, the reverse complement: KRIT1 is on the minus strand). VCF-style (leftmost placement, unchanged base first): chr7-92235414-AC-A. GRCh37 (hg19) VCF-style: chr7-91864728-AC-A.
Other names: c.717del, p.Gln239fs (NM_001013406.2, NM_001350669.1, NM_001350670.1 and 29 more transcripts); c.15+119del (NM_001350671.1); short protein forms Q239fs.
Identifiers: ClinVar variation 3638489 (VCV003638489.2).